The following is an entry in ClinVar:

ClinVar aggregate classification (germline): Uncertain significance (1 of 4 stars; one submission).

Conditions:
Intellectual disability, autosomal recessive 53 (NEDHSCA). Also called: NEURODEVELOPMENTAL DISORDER WITH OR WITHOUT HYPOTONIA, SEIZURES, AND CEREBELLAR ATROPHY; GLYCOSYLPHOSPHATIDYLINOSITOL BIOSYNTHESIS DEFECT 13; Mental retardation, autosomal recessive 53. Identifiers: Orphanet 488635, MedGen C4310794, MONDO:0014832, OMIM 616917.

Submission:

Labcorp Genetics (formerly Invitae), Labcorp
Classification: Uncertain significance for Intellectual disability, autosomal recessive 53. Last evaluated: 2024-12-23. Review status: criteria provided, single submitter. Criteria: Invitae Variant Classification Sherloc (09022015). Collection method: clinical testing. Allele origin: germline.
Comment: This sequence change falls in intron 10 of the PIGG gene. It does not directly change the encoded amino acid sequence of the PIGG protein. It affects a nucleotide within the consensus splice site. This variant is not present in population databases (gnomAD no frequency). This variant has not been reported in the literature in individuals affected with PIGG-related conditions. Variants that disrupt the consensus splice site are a relatively common cause of aberrant splicing (PMID: 17576681, 9536098). Algorithms developed to predict the effect of sequence changes on RNA splicing suggest that this variant is not likely to affect RNA splicing. In summary, the available evidence is currently insufficient to determine the role of this variant in disease. Therefore, it has been classified as a Variant of Uncertain Significance.

Literature cited by the submitters: PubMed 17576681; PubMed 9536098.

NM_001127178.3(PIGG):c.2262-3T>C

Gene: PIGG (phosphatidylinositol glycan anchor biosynthesis class G (EMM blood group); plus strand). Cytogenetic location: 4p16.3.
Variant type: single nucleotide variant.
Coding change: c.2262-3T>C on transcript NM_001127178.3 (MANE Select); 3 bases into the intron before coding-DNA position 2262, T replaced by C.
Molecular consequence: intron variant.
Genome position (GRCh38, 1-based): chr4:530,433, T>C. VCF-style: chr4-530433-T-C. GRCh37 (hg19) VCF-style: chr4-524222-T-C.
Other names: c.1164-3T>C (NM_001345994.2); c.1995-3T>C (NM_001345986.2, NM_001289051.2); c.1971-3T>C (NM_001345987.2); c.729-3T>C (NM_001345991.2, NM_001345990.2); c.1233-3T>C (NM_001345988.2); c.2238-3T>C (NM_017733.5); c.1863-3T>C (NM_001289052.2).
Identifiers: ClinVar variation 3682149 (VCV003682149.2).